The following is an entry in ClinVar:

NM_000540.3(RYR1):c.9798G>A (p.Met3266Ile)

Gene: RYR1 (ryanodine receptor 1; plus strand). Cytogenetic location: 19q13.2.
Variant type: single nucleotide variant.
Coding change: c.9798G>A on transcript NM_000540.3 (MANE Select); coding-DNA position 9798, G replaced by A.
Protein change: p.Met3266Ile; replaces methionine 3266 with isoleucine.
Molecular consequence: missense variant.
Genome position (GRCh38, 1-based): chr19:38,517,471, G>A. VCF-style: chr19-38517471-G-A. GRCh37 (hg19) VCF-style: chr19-39008111-G-A.
Other names: c.9798G>A, p.Met3266Ile (NM_001042723.2); short protein forms M3266I.
Identifiers: ClinVar variation 3385512 (VCV003385512.1).

ClinVar aggregate classification (germline): Uncertain significance (1 of 4 stars; one submission).

Conditions:
Malignant hyperthermia, susceptibility to, 1 (MHS1). Also called: Anesthesia related hyperthermia; Malignant hyperpyrexia; Fulminating hyperpyrexia; Pharmacogenic myopathy; Malignant hyperthermia suceptibility 1; RYR1-Related Malignant Hyperthermia Susceptibility. Identifiers: Orphanet 423, MedGen C2930980, MONDO:0007783, OMIM 145600.

gnomAD v4.1: 2 of 1,614,116 alleles (0.00012%); highest among the groups gnomAD compares: East Asian, 0.0045%; no homozygotes.

Submission:

All of Us Research Program, National Institutes of Health
Classification: Uncertain significance for Malignant hyperthermia, susceptibility to, 1. Last evaluated: 2024-03-24. Review status: criteria provided, single submitter. Criteria: ACMG Guidelines, 2015. Collection method: clinical testing. Allele origin: germline. Inheritance: Autosomal dominant inheritance. Observed: 1 variant allele, 1 heterozygote.
Comment: This missense variant replaces methionine with isoleucine at codon 3266 of the RYR1 protein. Computational prediction is inconclusive regarding the impact of this variant on protein structure and function (internally defined REVEL score threshold 0.5 < inconclusive < 0.7, PMID: 27666373). To our knowledge, functional studies have not been reported for this variant. This variant has not been reported in individuals affected with RYR1-related disorders in the literature. This variant has been identified in 2/250540 chromosomes in the general population by the Genome Aggregation Database (gnomAD). The available evidence is insufficient to determine the role of this variant in disease conclusively. Therefore, this variant is classified as a Variant of Uncertain Significance.

This study involves interpretation of variants in research participants for the purpose of population health screening. Participant phenotype was not available at the time of variant classification. Additional details can be found in publication PMID: 35346344, PMCID: PMC8962531